The following is an entry in ClinVar:

ClinVar aggregate classification (germline): Uncertain significance (1 of 4 stars; one submission).

Submission:

Labcorp Genetics (formerly Invitae), Labcorp
Classification: Uncertain significance. Last evaluated: 2025-05-06. Review status: criteria provided, single submitter. Criteria: Invitae Variant Classification Sherloc (09022015). Collection method: clinical testing. Allele origin: germline.
Comment: This sequence change creates a premature translational stop signal (p.Leu96Profs*59) in the TERF2IP gene. It is expected to result in an absent or disrupted protein product. However, the current clinical and genetic evidence is not sufficient to establish whether loss-of-function variants in TERF2IP cause disease. This variant is not present in population databases (gnomAD no frequency). This variant has not been reported in the literature in individuals affected with TERF2IP-related conditions. In summary, the available evidence is currently insufficient to determine the role of this variant in disease. Therefore, it has been classified as a Variant of Uncertain Significance.

NM_018975.4(TERF2IP):c.287_306del (p.Leu96fs)

Gene: TERF2IP (TERF2 interacting protein; plus strand). Cytogenetic location: 16q23.1.
Variant type: Deletion.
Coding change: c.287_306del on transcript NM_018975.4 (MANE Select); coding-DNA positions 287 to 306, 20 bases deleted (TGGAGGCCTATCGGCTGGGC).
Protein change: p.Leu96fs; shifts the reading frame from leucine 96.
Molecular consequence: frameshift variant. On other transcripts: non-coding transcript variant (1).
Genome position (GRCh38, 1-based): chr16:75,648,169-75,648,188, TGGAGGCCTATCGGCTGGGC deleted; deleting any 20 consecutive bases within chr16:75,648,167-75,648,188 gives the same sequence; the c. name uses the placement nearest the transcript's 3' end. VCF-style (leftmost placement, unchanged base first): chr16-75648166-AGCTGGAGGCCTATCGGCTGG-A. GRCh37 (hg19) VCF-style: chr16-75682064-AGCTGGAGGCCTATCGGCTGG-A.
Other names: short protein forms L96fs.
Identifiers: ClinVar variation 4719064 (VCV004719064.1).